The following is an entry in ClinVar:

NM_001009944.3(PKD1):c.3974T>C (p.Leu1325Pro)

Gene: PKD1 (polycystin 1, transient receptor potential channel interacting; minus strand). Cytogenetic location: 16p13.3.
Variant type: single nucleotide variant.
Coding change: c.3974T>C on transcript NM_001009944.3 (MANE Select); coding-DNA position 3974, T replaced by C.
Protein change: p.Leu1325Pro; replaces leucine 1325 with proline.
Molecular consequence: missense variant.
Genome position (GRCh38, 1-based): chr16:2,111,193, A>G on the plus strand (T>C on the coding strand, the complement: PKD1 is on the minus strand). VCF-style: chr16-2111193-A-G. GRCh37 (hg19) VCF-style: chr16-2161194-A-G.
Other names: c.3974T>C, p.Leu1325Pro (NM_000296.4); short protein forms L1325P.
Identifiers: ClinVar variation 3356999 (VCV003356999.2).
Genomic context (GRCh38, chr16:2,111,193, plus strand): 5'-ACCGTCGGGCACCCCCGCACGGTCGTGTTGGAGGAGCCATCCCCGAAGGTCCAGTCGAAG[A>G]GGTAGTGGGCCGGGTTCCCGGTGACGTAGGCCGTGAGCCGCGCGTCAGGCTGCGTGGGGA-3'
Protein context (NP_001009944.3, residues 1315-1335): AYVTGNPAHY[Leu1325Pro]FDWTFGDGSS

ClinVar aggregate classification (germline): Uncertain significance. Review status: criteria provided, single submitter (1 of 4 stars). 2 submissions from 2 submitters: Uncertain significance (1). 1 of the submissions does not count toward it. Last evaluated 2024-02-16.

Conditions:
PKD1-related disorder. Also called: PKD1-related condition.
Polycystic kidney disease, adult type (PKD1). Also called: Polycystic Kidney, Autosomal Dominant; POLYCYSTIC KIDNEY DISEASE 1 WITH OR WITHOUT POLYCYSTIC LIVER DISEASE; POLYCYSTIC KIDNEY DISEASE, ADULT, TYPE I; Polycystic Kidney Disease 1, Autosomal Dominant; Polycystic kidney disease 1; Polycystic kidney disease 1, severe. Identifiers: MedGen C3149841, MONDO:0008263, OMIM 173900.

Submissions (2):

Fulgent Genetics
Classification: Uncertain significance for Polycystic kidney disease, adult type. Last evaluated: 2024-02-16. Review status: criteria provided, single submitter. Criteria: ACMG Guidelines, 2015. Collection method: clinical testing. Allele origin: germline.

PreventionGenetics, part of Exact Sciences
Classification: Likely pathogenic for PKD1-related condition. Last evaluated: 2024-09-11. Review status: no assertion criteria provided. Collection method: clinical testing. Allele origin: germline. Not counted in ClinVar's aggregate classification.
Comment: The PKD1 c.3974T>C variant is predicted to result in the amino acid substitution p.Leu1325Pro. To our knowledge, this variant has not been reported in the literature or in a large population database, indicating this variant is rare. This variant showed segregation with affected status in a family tested at PreventionGenetics. This variant is interpreted as likely pathogenic.